The following is an entry in ClinVar:

ClinVar aggregate classification (germline): Uncertain significance. Review status: criteria provided, multiple submitters, no conflicts (2 of 4 stars). 3 submissions from 3 submitters: Uncertain significance (3). Last evaluated 2025-12-09.

Conditions:
Inborn genetic diseases. Identifiers: MedGen C0950123, MeSH D030342.
Methylmalonic aciduria, cblA type (MACA). Also called: Methylmalonic aciduria, vitamin b12-responsive, due to defect in synthesis of adenosylcobalamin, cbla complementation type; MMA cbl A type; Methylmalonic acidemia cblA type; Methylmalonic aciduria, vitamin B12-responsive; Vitamin B12-responsive methylmalonic acidemia type cblA. Identifiers: Orphanet 28, Orphanet 79310, MedGen C1855109, MONDO:0009613, OMIM 251100.

Allele frequency attached by ClinVar (database versions not stated): ExAC 0.00007; gnomAD 0.00007; gnomAD exomes 0.00010 and 0.00013; TOPMed 0.00011; 1000 Genomes Project 0.00020; ESP Exome Variant Server 0.00023; 1000 Genomes Project 30x 0.00031.
gnomAD v4.1: 211 of 1,613,958 alleles (0.013%); highest among the groups gnomAD compares: East Asian, 0.018%; no homozygotes.

Submissions (3):

Ambry Genetics
Classification: Uncertain significance for Inborn genetic diseases. Last evaluated: 2025-12-09. Review status: criteria provided, single submitter. Criteria: Ambry Variant Classification Scheme 2023. Collection method: clinical testing. Allele origin: germline.

Labcorp Genetics (formerly Invitae), Labcorp
Classification: Uncertain significance for Methylmalonic aciduria, cblA type. Last evaluated: 2022-07-18. Review status: criteria provided, single submitter. Criteria: Invitae Variant Classification Sherloc (09022015). Collection method: clinical testing. Allele origin: germline.
Comment: This sequence change replaces arginine, which is basic and polar, with histidine, which is basic and polar, at codon 326 of the MMAA protein (p.Arg326His). This variant is present in population databases (rs201547892, gnomAD 0.03%). This variant has not been reported in the literature in individuals affected with MMAA-related conditions. ClinVar contains an entry for this variant (Variation ID: 347605). Advanced modeling of protein sequence and biophysical properties (such as structural, functional, and spatial information, amino acid conservation, physicochemical variation, residue mobility, and thermodynamic stability) performed at Invitae indicates that this missense variant is expected to disrupt MMAA protein function. In summary, the available evidence is currently insufficient to determine the role of this variant in disease. Therefore, it has been classified as a Variant of Uncertain Significance.

Illumina Laboratory Services, Illumina
Classification: Uncertain significance for Methylmalonic aciduria, cblA type. Last evaluated: 2018-01-13. Review status: criteria provided, single submitter. Criteria: ICSL Variant Classification Criteria 13 December 2019. Collection method: clinical testing. Allele origin: germline.

NM_172250.3(MMAA):c.977G>A (p.Arg326His)

Gene: MMAA (metabolism of cobalamin associated A; plus strand). Cytogenetic location: 4q31.21.
Variant type: single nucleotide variant.
Coding change: c.977G>A on transcript NM_172250.3 (MANE Select); coding-DNA position 977, G replaced by A.
Protein change: p.Arg326His; replaces arginine 326 with histidine.
Molecular consequence: missense variant.
Genome position (GRCh38, 1-based): chr4:145,655,154, G>A. VCF-style: chr4-145655154-G-A. GRCh37 (hg19) VCF-style: chr4-146576306-G-A.
Other names: short protein forms R326H.
Identifiers: ClinVar variation 347605 (VCV000347605.9), dbSNP rs201547892, ClinGen allele CA3095335.